The following is an entry in ClinVar:

NM_001244008.2(KIF1A):c.232G>A (p.Gly78Ser)

Gene: KIF1A (kinesin family member 1A; minus strand). Cytogenetic location: 2q37.3.
Variant type: single nucleotide variant.
Coding change: c.232G>A on transcript NM_001244008.2 (MANE Select); coding-DNA position 232, G replaced by A.
Protein change: p.Gly78Ser; replaces glycine 78 with serine.
Molecular consequence: missense variant.
Genome position (GRCh38, 1-based): chr2:240,788,182, C>T on the plus strand (G>A on the coding strand, the complement: KIF1A is on the minus strand). VCF-style: chr2-240788182-C-T. GRCh37 (hg19) VCF-style: chr2-241727599-C-T.
Other names: c.232G>A, p.Gly78Ser (NM_001320705.2, NM_001330289.2, NM_001330290.2 and 20 more transcripts); short protein forms G78S.
Identifiers: ClinVar variation 373905 (VCV000373905.14), dbSNP rs1057518760, ClinGen allele CA16043389.
Genomic context (GRCh38, chr2:240,788,182, plus strand): 5'-GCCCATAGGCGAAGATGCACACGTTGTATCCCTCAAAGGCATGCTGCAGCATCTCCTCGC[C>T]GATGTCCCGGTACACCTGCTTCTGCGACGCGTAGTTGATGTCCTCAGGCTGGAGGACGAG-3'
Protein context (NP_001230937.1, residues 68-88): ASQKQVYRDI[Gly78Ser]EEMLQHAFEG

ClinVar aggregate classification (germline): Pathogenic/Likely pathogenic. Review status: criteria provided, multiple submitters, no conflicts (2 of 4 stars). 5 submissions from 5 submitters: Pathogenic (2); Likely pathogenic (2). 1 of the submissions does not count toward it. Last evaluated 2024-11-19.

Conditions:
Hyperreflexia (HRX). Identifiers: MedGen C0151889, MONDO:0007774, OMIM 145290, HP:0001347.
Spastic paraplegia. Identifiers: MedGen C0037772, HP:0001258.
Clonus. Identifiers: MedGen C0009024, HP:0002169.
Lower limb hyperreflexia. Identifiers: MedGen C1836696, HP:0002395.
Neuropathy, hereditary sensory, type 2C. Also called: KIF1A-Related HSAN2 (HSAN2C); Hereditary sensory and autonomic neuropathy type IIC. Identifiers: Orphanet 970, MedGen C3280168, MONDO:0013634, OMIM 614213.
Intellectual disability, autosomal dominant 9 (NESCAVS). Also called: NESCAV SYNDROME; KIF1A-Related Neurodevelopmental Disorder. Identifiers: Orphanet 662367, MedGen C5393830, MONDO:0013656, OMIM 614255.
Hereditary spastic paraplegia 30. Identifiers: Orphanet 101010, MedGen C5235139, MONDO:0012476.

Allele frequency attached by ClinVar (database versions not stated): gnomAD exomes below 0.00001.

Submissions (5):

Institute of Medical Genetics and Applied Genomics, University Hospital Tübingen
Classification: Likely pathogenic for Spastic paraplegia 30A, autosomal dominant. Last evaluated: 2024-11-19. Review status: criteria provided, single submitter. Criteria: ACMG Guidelines, 2015. Collection method: clinical testing. Allele origin: germline. Inheritance: Autosomal dominant inheritance. Affected: yes.

Labcorp Genetics (formerly Invitae), Labcorp
Classification: Pathogenic for Hereditary spastic paraplegia 30; Neuropathy, hereditary sensory, type 2C; Intellectual disability, autosomal dominant 9. Last evaluated: 2022-08-16. Review status: criteria provided, single submitter. Criteria: Invitae Variant Classification Sherloc (09022015). Collection method: clinical testing. Allele origin: germline.
Comment: For these reasons, this variant has been classified as Pathogenic. Advanced modeling of protein sequence and biophysical properties (such as structural, functional, and spatial information, amino acid conservation, physicochemical variation, residue mobility, and thermodynamic stability) performed at Invitae indicates that this missense variant is expected to disrupt KIF1A protein function. ClinVar contains an entry for this variant (Variation ID: 373905). This missense change has been observed in individual(s) with autosomal dominant hereditary spastic paraplegia (PMID: 31488895). In at least one individual the variant was observed to be de novo. This variant is not present in population databases (gnomAD no frequency). This sequence change replaces glycine, which is neutral and non-polar, with serine, which is neutral and polar, at codon 78 of the KIF1A protein (p.Gly78Ser).

SIB Swiss Institute of Bioinformatics
Classification: Likely pathogenic for Spastic paraplegia 30A, autosomal dominant. Last evaluated: 2020-06-15. Review status: criteria provided, single submitter. Criteria: ACMG Guidelines, 2015. Collection method: curation. Allele origin: unknown.
Comment: This variant is interpreted as likely pathogenic for spastic paraplegia 30, autosomal dominant. The following ACMG Tag(s) were applied: Absent from controls (or at extremely low frequency if recessive) in Exome Sequencing Project, 1000 Genomes Project, or Exome Aggregation Consortium (PM2); De novo (paternity and maternity confirmed) (PS2 downgraded to moderate); Multiple lines of computational evidence support a deleterious effect on the gene or gene product (PP3); Missense variant in a gene that has a low rate of benign missense variation and in which missense variants are a common mechanism of disease (PP2).

Paris Brain Institute, Inserm - ICM
Classification: Pathogenic for Spastic paraplegia 30A, autosomal dominant. Review status: criteria provided, single submitter. Criteria: ACMG Guidelines, 2015. Collection method: clinical testing. Allele origin: unknown. Affected: yes. Observed: 2 variant alleles.

Centre for Mendelian Genomics, University Medical Centre Ljubljana
Classification: Likely pathogenic for Clonus; Hyperreflexia; Lower limb hyperreflexia; Spastic paraplegia. Last evaluated: 2016-04-18. Review status: no assertion criteria provided. Collection method: clinical testing. Allele origin: unknown. Affected: yes. Not counted in ClinVar's aggregate classification.

Literature cited by the submitters: PubMed 31488895 (cited by Labcorp Genetics (formerly Invitae), Labcorp and SIB Swiss Institute of Bioinformatics).